The following is an entry in ClinVar:

NM_015404.4(WHRN):c.1519C>T (p.Gln507Ter)

Gene: WHRN (whirlin; minus strand). Cytogenetic location: 9q32.
Variant type: single nucleotide variant.
Coding change: c.1519C>T on transcript NM_015404.4 (MANE Select); coding-DNA position 1519, C replaced by T.
Protein change: p.Gln507Ter; replaces glutamine 507 with a stop codon.
Molecular consequence: nonsense.
Genome position (GRCh38, 1-based): chr9:114,423,421, G>A on the plus strand (C>T on the coding strand, the complement: WHRN is on the minus strand). VCF-style: chr9-114423421-G-A. GRCh37 (hg19) VCF-style: chr9-117185701-G-A.
Other names: c.370C>T, p.Gln124Ter (NM_001083885.3); c.1519C>T, p.Gln507Ter (NM_001173425.2); c.466C>T, p.Gln156Ter (NM_001346890.1); short protein forms Q124*, Q156*, Q507*.
Identifiers: ClinVar variation 2791604 (VCV002791604.3), dbSNP rs776366988, ClinGen allele CA5205923.

ClinVar aggregate classification (germline): Pathogenic (1 of 4 stars; one submission).

Allele frequency attached by ClinVar (database versions not stated): ExAC 0.00001; gnomAD exomes 0.00001.
gnomAD v4.1: 5 of 1,614,124 alleles (0.00031%); highest among the groups gnomAD compares: South Asian, 0.0055%; no homozygotes.

Submission:

Labcorp Genetics (formerly Invitae), Labcorp
Classification: Pathogenic. Last evaluated: 2023-11-02. Review status: criteria provided, single submitter. Criteria: Invitae Variant Classification Sherloc (09022015). Collection method: clinical testing. Allele origin: germline.
Comment: This sequence change creates a premature translational stop signal (p.Gln507*) in the WHRN gene. It is expected to result in an absent or disrupted protein product. Loss-of-function variants in WHRN are known to be pathogenic (PMID: 12833159, 15841483, 22147658). This variant is present in population databases (rs776366988, gnomAD 0.006%). This variant has not been reported in the literature in individuals affected with WHRN-related conditions. For these reasons, this variant has been classified as Pathogenic.

Literature cited by the submitters: PubMed 12833159; PubMed 15841483; PubMed 22147658.